The following is an entry in ClinVar:

NM_145054.5(CFAP52):c.1492A>G (p.Met498Val)

Gene: CFAP52 (cilia and flagella associated protein 52; plus strand). Cytogenetic location: 17p13.1.
Variant type: single nucleotide variant.
Coding change: c.1492A>G on transcript NM_145054.5 (MANE Select); coding-DNA position 1492, A replaced by G.
Protein change: p.Met498Val; replaces methionine 498 with valine.
Molecular consequence: missense variant.
Genome position (GRCh38, 1-based): chr17:9,638,628, A>G. VCF-style: chr17-9638628-A-G. GRCh37 (hg19) VCF-style: chr17-9541945-A-G.
Other names: c.1288A>G, p.Met430Val (NM_001080556.2); short protein forms M498V, M430V.
Identifiers: ClinVar variation 573466 (VCV000573466.9), dbSNP rs765338836, ClinGen allele CA8382253.

ClinVar aggregate classification (germline): Uncertain significance (1 of 4 stars; one submission).

Conditions:
Situs inversus. Also called: Situs inversus totalis. Identifiers: Orphanet 101063, MedGen C4551493, MONDO:0010029, HP:0001696.

Allele frequency attached by ClinVar (database versions not stated): gnomAD 0.00001; gnomAD exomes 0.00001 and 0.00005; TOPMed 0.00002; ExAC 0.00005.
gnomAD v4.1: 19 of 1,614,044 alleles (0.0012%); highest among the groups gnomAD compares: East Asian, 0.025%; no homozygotes.

Submission:

Labcorp Genetics (formerly Invitae), Labcorp
Classification: Uncertain significance for Situs inversus. Last evaluated: 2018-03-14. Review status: criteria provided, single submitter. Criteria: Invitae Variant Classification Sherloc (09022015). Collection method: clinical testing. Allele origin: germline.
Comment: This sequence change replaces methionine with valine at codon 498 of the CFAP52 protein (p.Met498Val). The methionine residue is highly conserved and there is a small physicochemical difference between methionine and valine. This variant is present in population databases (rs765338836, ExAC 0.07%). This variant has not been reported in the literature in individuals with CFAP52-related disease. Algorithms developed to predict the effect of missense changes on protein structure and function (SIFT, PolyPhen-2, Align-GVGD) all suggest that this variant is likely to be tolerated, but these predictions have not been confirmed by published functional studies and their clinical significance is uncertain. Algorithms developed to predict the effect of sequence changes on RNA splicing suggest that this variant may create or strengthen a splice site, but this prediction has not been confirmed by published transcriptional studies. In summary, the available evidence is currently insufficient to determine the role of this variant in disease. Therefore, it has been classified as a Variant of Uncertain Significance.